The following is an entry in ClinVar:

ClinVar aggregate classification (germline): Uncertain significance (1 of 4 stars; one submission).

Conditions:
Alagille syndrome due to a JAG1 point mutation. Also called: Alagille Syndrome 1; HEPATIC DUCTULAR HYPOPLASIA, SYNDROMATIC; JAG1-Related Alagille Syndrome. Identifiers: Orphanet 261619, Orphanet 52, MedGen C1956125, MONDO:0016862, OMIM 118450.

Allele frequency attached by ClinVar (database versions not stated): gnomAD exomes below 0.00001.
gnomAD v4.1: 1 of 1,614,206 alleles (0.000062%); highest among the groups gnomAD compares: Non-Finnish European, 0.000085%; no homozygotes.

Submission:

Labcorp Genetics (formerly Invitae), Labcorp
Classification: Uncertain significance for Alagille syndrome due to a JAG1 point mutation. Last evaluated: 2023-05-23. Review status: criteria provided, single submitter. Criteria: Invitae Variant Classification Sherloc (09022015). Collection method: clinical testing. Allele origin: germline.
Comment: This sequence change replaces proline, which is neutral and non-polar, with threonine, which is neutral and polar, at codon 476 of the JAG1 protein (p.Pro476Thr). This variant is not present in population databases (gnomAD no frequency). This variant has not been reported in the literature in individuals affected with JAG1-related conditions. Advanced modeling of protein sequence and biophysical properties (such as structural, functional, and spatial information, amino acid conservation, physicochemical variation, residue mobility, and thermodynamic stability) performed at Invitae indicates that this missense variant is not expected to disrupt JAG1 protein function. Algorithms developed to predict the effect of sequence changes on RNA splicing suggest that this variant may disrupt the consensus splice site. In summary, the available evidence is currently insufficient to determine the role of this variant in disease. Therefore, it has been classified as a Variant of Uncertain Significance.

NM_000214.3(JAG1):c.1426C>A (p.Pro476Thr)

Gene: JAG1 (jagged canonical Notch ligand 1; minus strand). Cytogenetic location: 20p12.2.
Variant type: single nucleotide variant.
Coding change: c.1426C>A on transcript NM_000214.3 (MANE Select); coding-DNA position 1426, C replaced by A.
Protein change: p.Pro476Thr; replaces proline 476 with threonine.
Molecular consequence: missense variant.
Genome position (GRCh38, 1-based): chr20:10,648,692, G>T on the plus strand (C>A on the coding strand, the complement: JAG1 is on the minus strand). VCF-style: chr20-10648692-G-T. GRCh37 (hg19) VCF-style: chr20-10629340-G-T.
Other names: short protein forms P476T.
Identifiers: ClinVar variation 2736951 (VCV002736951.3), dbSNP rs2514517293, ClinGen allele CA408237882.
Genomic context (GRCh38, chr20:10,648,692, plus strand): 5'-AGGGGTTGCTGGCACATTCATCGATGTCTCTCTCACAGTGATCGCCTGCATAGCCAGGTG[G>T]ACAGATACAGCGATAACCATTAACCAAATCCTAGAAGAGGAGAAGGGGAGAGAGAGACAC-3'
Protein context (NP_000205.1, residues 466-486): DLVNGYRCIC[Pro476Thr]PGYAGDHCER